The following is an entry in ClinVar:

NM_005267.5(GJA8):c.1105G>A (p.Gly369Arg)

Gene: GJA8 (gap junction protein alpha 8; plus strand). Cytogenetic location: 1q21.2.
Variant type: single nucleotide variant.
Coding change: c.1105G>A on transcript NM_005267.5 (MANE Select); coding-DNA position 1105, G replaced by A.
Protein change: p.Gly369Arg; replaces glycine 369 with arginine.
Molecular consequence: missense variant.
Genome position (GRCh38, 1-based): chr1:147,909,060, G>A. VCF-style: chr1-147909060-G-A. GRCh37 (hg19) VCF-style: chr1-147381187-G-A.
Other names: short protein forms G369R.
Identifiers: ClinVar variation 4978814 (VCV004978814.1).

ClinVar aggregate classification (germline): Uncertain significance (1 of 4 stars; one submission).

Conditions:
GJA8-related disorder. Also called: GJA8-related condition.

gnomAD v4.1: 5 of 1,604,162 alleles (0.00031%); highest among the groups gnomAD compares: African/African-American, 0.0054%; no homozygotes.

Submission:

PreventionGenetics, part of Exact Sciences
Classification: Uncertain significance for GJA8-related condition. Last evaluated: 2025-09-24. Review status: criteria provided, single submitter. Criteria: ACMG Guidelines, 2015. Collection method: clinical testing. Allele origin: germline.
Comment: The GJA8 c.1105G>A variant is predicted to result in the amino acid substitution p.Gly369Arg. To our knowledge, this variant has not been reported in the literature. This variant is present in 0.014% of alleles in individuals of African descent in gnomAD. At this time, the clinical significance of this variant is uncertain due to the absence of conclusive functional and genetic evidence.